The following is an entry in ClinVar:

NM_000435.3(NOTCH3):c.6454C>G (p.Pro2152Ala)

Gene: NOTCH3 (notch receptor 3; minus strand). Cytogenetic location: 19p13.12.
Variant type: single nucleotide variant.
Coding change: c.6454C>G on transcript NM_000435.3 (MANE Select); coding-DNA position 6454, C replaced by G.
Protein change: p.Pro2152Ala; replaces proline 2152 with alanine.
Molecular consequence: missense variant.
Genome position (GRCh38, 1-based): chr19:15,161,174, G>C on the plus strand (C>G on the coding strand, the complement: NOTCH3 is on the minus strand). VCF-style: chr19-15161174-G-C. GRCh37 (hg19) VCF-style: chr19-15271985-G-C.
Other names: short protein forms P2152A.
Identifiers: ClinVar variation 1504312 (VCV001504312.8), dbSNP rs2145381350, ClinGen allele CA404488168.

ClinVar aggregate classification (germline): Uncertain significance (1 of 4 stars; one submission).

Submission:

Labcorp Genetics (formerly Invitae), Labcorp
Classification: Uncertain significance. Last evaluated: 2022-07-19. Review status: criteria provided, single submitter. Criteria: Invitae Variant Classification Sherloc (09022015). Collection method: clinical testing. Allele origin: germline.
Comment: This sequence change replaces proline, which is neutral and non-polar, with alanine, which is neutral and non-polar, at codon 2152 of the NOTCH3 protein (p.Pro2152Ala). This variant is not present in population databases (gnomAD no frequency). This variant has not been reported in the literature in individuals affected with NOTCH3-related conditions. ClinVar contains an entry for this variant (Variation ID: 1504312). Advanced modeling of protein sequence and biophysical properties (such as structural, functional, and spatial information, amino acid conservation, physicochemical variation, residue mobility, and thermodynamic stability) performed at Invitae indicates that this missense variant is not expected to disrupt NOTCH3 protein function. In summary, the available evidence is currently insufficient to determine the role of this variant in disease. Therefore, it has been classified as a Variant of Uncertain Significance.